The following is an entry in ClinVar:

NM_017534.6(MYH2):c.2061T>C (p.Pro687=)

Genes: MYHAS (myosin heavy chain gene cluster antisense RNA; plus strand), MYH2 (myosin heavy chain 2; minus strand). Cytogenetic location: 17p13.1.
Variant type: single nucleotide variant.
Coding change: c.2061T>C on transcript NM_017534.6 (MANE Select); coding-DNA position 2061, T replaced by C.
Protein change: p.Pro687=; no amino-acid change (proline 687 retained).
Molecular consequence: synonymous variant.
Genome position (GRCh38, 1-based): chr17:10,535,279, A>G on the plus strand (T>C on the coding strand, the complement: MYH2 is on the minus strand). VCF-style: chr17-10535279-A-G. GRCh37 (hg19) VCF-style: chr17-10438596-A-G.
Other names: c.2061T>C, p.Pro687= (NM_001100112.2).
Identifiers: ClinVar variation 946403 (VCV000946403.1), dbSNP rs2073469824, ClinGen allele CA497859342.

ClinVar aggregate classification (germline): Uncertain significance (1 of 4 stars; one submission).

Conditions:
Myopathy, proximal, and ophthalmoplegia (CMYO6). Also called: MYOPATHY WITH CONGENITAL JOINT CONTRACTURES, OPHTHALMOPLEGIA, AND RIMMED VACUOLES; INCLUSION BODY MYOPATHY 3, AUTOSOMAL DOMINANT; CONGENITAL MYOPATHY 6 WITH OPHTHALMOPLEGIA. Identifiers: Orphanet 363677, Orphanet 79091, MedGen C1854106, MONDO:0011577, OMIM 605637.

Allele frequency attached by ClinVar (database versions not stated): TOPMed below 0.00001; gnomAD exomes 0.00001.

Submission:

Labcorp Genetics (formerly Invitae), Labcorp
Classification: Uncertain significance for Myopathy, proximal, and ophthalmoplegia. Last evaluated: 2019-05-10. Review status: criteria provided, single submitter. Criteria: Invitae Variant Classification Sherloc (09022015). Collection method: clinical testing. Allele origin: germline.
Comment: This sequence change affects codon 687 of the MYH2 mRNA. It is a 'silent' change, meaning that it does not change the encoded amino acid sequence of the MYH2 protein. This variant is not present in population databases (ExAC no frequency). This variant has not been reported in the literature in individuals with MYH2-related conditions. Algorithms developed to predict the effect of sequence changes on RNA splicing suggest that this variant is not likely to affect RNA splicing, but this prediction has not been confirmed by published transcriptional studies. In summary, the available evidence is currently insufficient to determine the role of this variant in disease. Therefore, it has been classified as a Variant of Uncertain Significance.